The following is an entry in ClinVar:

ClinVar aggregate classification (germline): Likely benign. Review status: criteria provided, multiple submitters, no conflicts (2 of 4 stars). 2 submissions from 2 submitters: Likely benign (2). Last evaluated 2026-01-27.

Conditions:
Tuberous sclerosis 1 (TSC1). Identifiers: Orphanet 805, MedGen C1854465, MONDO:0008612, OMIM 191100.

Allele frequency attached by ClinVar (database versions not stated): ExAC 0.00001; gnomAD exomes 0.00002 and 0.00016; TOPMed 0.00003; gnomAD 0.00004.
gnomAD v4.1: 232 of 1,612,686 alleles (0.014%); highest among the groups gnomAD compares: Non-Finnish European, 0.019%; no homozygotes.

Submissions (2):

Labcorp Genetics (formerly Invitae), Labcorp
Classification: Likely benign for Tuberous sclerosis 1. Last evaluated: 2026-01-27. Review status: criteria provided, single submitter. Criteria: Invitae Variant Classification Sherloc (09022015). Collection method: clinical testing. Allele origin: germline.

Myriad Genetics, Inc.
Classification: Likely benign for Tuberous sclerosis 1. Last evaluated: 2025-04-24. Review status: criteria provided, single submitter. Criteria: Myriad Autosomal Dominant, Autosomal Recessive and X-Linked Classification Criteria (2023). Collection method: clinical testing. Allele origin: unknown.
Comment: This variant is considered likely benign. This variant is intronic and is not expected to impact mRNA splicing.

NM_000368.5(TSC1):c.2209-18A>C

Gene: TSC1 (TSC complex subunit 1; minus strand). Cytogenetic location: 9q34.13.
Variant type: single nucleotide variant.
Coding change: c.2209-18A>C on transcript NM_000368.5 (MANE Select); 18 bases into the intron before coding-DNA position 2209, A replaced by C.
Molecular consequence: intron variant.
Genome position (GRCh38, 1-based): chr9:132,902,805, T>G on the plus strand (A>C on the coding strand, the complement: TSC1 is on the minus strand). VCF-style: chr9-132902805-T-G. GRCh37 (hg19) VCF-style: chr9-135778192-T-G.
Other names: c.1846-18A>C (NM_001362177.2); c.2056-18A>C (NM_001162427.2); c.2206-18A>C (NM_001162426.2).
Identifiers: ClinVar variation 1573001 (VCV001573001.9), dbSNP rs754189843, ClinGen allele CA5301762.
Genomic context (GRCh38, chr9:132,902,805, plus strand): 5'-TCCACATCTGGATGTCCTTCTCTTGTAACTTCAACTGATCTTTCTAGCAGAGACCAGAAA[T>G]GTCATCATTTTAGCTGTCTTCCAACACAGGCAATTTAACACACACTGCGAACATTTCATC-3'